The following is an entry in ClinVar:

NM_005458.8(GABBR2):c.2768C>T (p.Ala923Val)

Gene: GABBR2 (gamma-aminobutyric acid type B receptor subunit 2; minus strand). Cytogenetic location: 9q22.33.
Variant type: single nucleotide variant.
Coding change: c.2768C>T on transcript NM_005458.8 (MANE Select); coding-DNA position 2768, C replaced by T.
Protein change: p.Ala923Val; replaces alanine 923 with valine.
Molecular consequence: missense variant.
Genome position (GRCh38, 1-based): chr9:98,290,642, G>A on the plus strand (C>T on the coding strand, the complement: GABBR2 is on the minus strand). VCF-style: chr9-98290642-G-A. GRCh37 (hg19) VCF-style: chr9-101052924-G-A.
Other names: short protein forms A923V.
Identifiers: ClinVar variation 3675692 (VCV003675692.2).

ClinVar aggregate classification (germline): Uncertain significance (1 of 4 stars; one submission).

Conditions:
Epileptic encephalopathy. Identifiers: MedGen C0543888, HP:0200134.

gnomAD v4.1: 1 of 1,452,602 alleles (0.000069%); no homozygotes.

Submission:

Labcorp Genetics (formerly Invitae), Labcorp
Classification: Uncertain significance for Epileptic encephalopathy. Last evaluated: 2024-07-31. Review status: criteria provided, single submitter. Criteria: Invitae Variant Classification Sherloc (09022015). Collection method: clinical testing. Allele origin: germline.
Comment: This sequence change replaces alanine, which is neutral and non-polar, with valine, which is neutral and non-polar, at codon 923 of the GABBR2 protein (p.Ala923Val). This variant is not present in population databases (gnomAD no frequency). This variant has not been reported in the literature in individuals affected with GABBR2-related conditions. An algorithm developed to predict the effect of missense changes on protein structure and function (PolyPhen-2) suggests that this variant is likely to be tolerated. In summary, the available evidence is currently insufficient to determine the role of this variant in disease. Therefore, it has been classified as a Variant of Uncertain Significance.